The following is an entry in ClinVar:

NM_000448.3(RAG1):c.2488A>T (p.Lys830Ter)

Gene: RAG1 (recombination activating 1; plus strand). Cytogenetic location: 11p12.
Variant type: single nucleotide variant.
Coding change: c.2488A>T on transcript NM_000448.3 (MANE Select); coding-DNA position 2488, A replaced by T.
Protein change: p.Lys830Ter; replaces lysine 830 with a stop codon.
Molecular consequence: nonsense.
Genome position (GRCh38, 1-based): chr11:36,575,792, A>T. VCF-style: chr11-36575792-A-T. GRCh37 (hg19) VCF-style: chr11-36597342-A-T.
Other names: c.2488A>T, p.Lys830Ter (NM_001377277.1, NM_001377278.1, NM_001377279.1 and 1 more transcripts); short protein forms K830*.
Identifiers: ClinVar variation 631657 (VCV000631657.8), dbSNP rs755551812, ClinGen allele CA5950271.

ClinVar aggregate classification (germline): Pathogenic/Likely pathogenic. Review status: criteria provided, multiple submitters, no conflicts (2 of 4 stars). 2 submissions from 2 submitters: Pathogenic (1); Likely pathogenic (1). Last evaluated 2020-12-18.

Conditions:
RAG1-related disorder. Also called: RAG1-related disorders; RAG1-related condition.

Allele frequency attached by ClinVar (database versions not stated): gnomAD exomes 0.00001 and 0.00005; gnomAD 0.00002; ExAC 0.00004; TOPMed 0.00008.
gnomAD v4.1: 20 of 1,614,070 alleles (0.0012%); highest among the groups gnomAD compares: Admixed American, 0.022%; no homozygotes.

Submissions (2):

Revvity Omics, Revvity
Classification: Pathogenic. Last evaluated: 2020-12-18. Review status: criteria provided, single submitter. Criteria: ACMG Guidelines, 2015. Collection method: clinical testing. Allele origin: germline.

Illumina Laboratory Services, Illumina
Classification: Likely pathogenic for RAG1-Related Disorders. Last evaluated: 2018-12-11. Review status: criteria provided, single submitter. Criteria: ICSL Variant Classification Criteria 09 May 2019. Collection method: clinical testing. Allele origin: germline.
Comment: The RAG1 c.2488A>T (p.Lys830Ter) variant is a stop-gained variant predicted to result in premature termination of the protein. The p.Lys830Ter variant has been reported in at least three studies and is found in a total of five individuals with RAG1-related disorders, including one homozygote, three compound heterozygotes and one heterozygote, all of whom carried a p.Arg829Ser variant in cis with the p.Lys830Ter variant (Santagata et al. 2000; Sobacchi et al. 2006; Haq et al. 2007). Additionally, Meshaal et al. (2015) described a c.2487_2488delGAinsTT variant, also resulting in a truncation of the protein at residue 830, in a homozygous state in an individual with severe combined immunodeficiency. Control data are unavailable for the p.Lys830Ter variant which is reported at a frequency of 0.00043 in the Latino population of the Exome Aggregation Consortium. Based on the evidence and potential impact of stop-gained variants, the p.Lys830Ter variant is classified as likely pathogenic for RAG1-related disorders. This variant was observed by ICSL as part of a predisposition screen in an ostensibly healthy population.

Literature cited by the submitters: PubMed 11121059 (cited by Illumina Laboratory Services, Illumina); PubMed 25869295 (cited by Illumina Laboratory Services, Illumina); PubMed 16960852 (cited by Illumina Laboratory Services, Illumina); PubMed 17572155 (cited by Illumina Laboratory Services, Illumina).